The following is an entry in ClinVar:

ClinVar aggregate classification (germline): Uncertain significance (1 of 4 stars; one submission).

Conditions:
Congenital muscular hypertrophy-cerebral syndrome (CDLS2). Also called: SMC1A-Related Cornelia de Lange Syndrome; Cornelia de Lange syndrome 2. Identifiers: Orphanet 199, MedGen C1802395, MONDO:0010370, OMIM 300590.

Submission:

Baylor Genetics
Classification: Uncertain significance for Congenital muscular hypertrophy-cerebral syndrome. Last evaluated: 2017-09-01. Review status: criteria provided, single submitter. Criteria: ACMG Guidelines, 2015. Collection method: clinical testing. Allele origin: de novo. Inheritance: X-linked inheritance. Affected: yes.

Literature cited by the submitters: PubMed 30158690; PubMed 25326635.

NM_006306.4(SMC1A):c.298G>C (p.Gly100Arg)

Gene: SMC1A (structural maintenance of chromosomes 1A; minus strand). Cytogenetic location: Xp11.22.
Variant type: single nucleotide variant.
Coding change: c.298G>C on transcript NM_006306.4 (MANE Select); coding-DNA position 298, G replaced by C.
Protein change: p.Gly100Arg; replaces glycine 100 with arginine.
Molecular consequence: missense variant.
Genome position (GRCh38, 1-based): chrX:53,414,981, C>G on the plus strand (G>C on the coding strand, the complement: SMC1A is on the minus strand). VCF-style: chrX-53414981-C-G. GRCh37 (hg19) VCF-style: chrX-53441930-C-G.
Other names: c.232G>C, p.Gly78Arg (NM_001281463.1); short protein forms G100R, G78R.
Identifiers: ClinVar variation 523207 (VCV000523207.2), dbSNP rs1569359487, ClinGen allele CA413132013.